The following is an entry in ClinVar:

ClinVar aggregate classification (germline): Uncertain significance (1 of 4 stars; one submission).

Conditions:
Noonan syndrome (NS). Also called: Noonan's syndrome. Identifiers: Orphanet 648, MedGen C0028326, MeSH D009634, MONDO:0018997. Disease mechanism: gain of function.

Allele frequency attached by ClinVar (database versions not stated): gnomAD exomes below 0.00001; TOPMed below 0.00001; gnomAD 0.00001; ExAC 0.00006.
gnomAD v4.1: 3 of 1,505,798 alleles (0.0002%); highest among the groups gnomAD compares: Admixed American, 0.0044%; no homozygotes.

Submission:

Labcorp Genetics (formerly Invitae), Labcorp
Classification: Uncertain significance for Noonan syndrome. Last evaluated: 2025-06-24. Review status: criteria provided, single submitter. Criteria: Invitae Variant Classification Sherloc (09022015). Collection method: clinical testing. Allele origin: germline.
Comment: This sequence change replaces glycine, which is neutral and non-polar, with valine, which is neutral and non-polar, at codon 17 of the RRAS protein (p.Gly17Val). The frequency data for this variant in the population databases is considered unreliable, as metrics indicate poor data quality at this position in the gnomAD database. This variant has not been reported in the literature in individuals affected with RRAS-related conditions. ClinVar contains an entry for this variant (Variation ID: 2203117). An algorithm developed to predict the effect of missense changes on protein structure and function (PolyPhen-2) suggests that this variant is likely to be disruptive. In summary, the available evidence is currently insufficient to determine the role of this variant in disease. Therefore, it has been classified as a Variant of Uncertain Significance.

NM_006270.5(RRAS):c.50G>T (p.Gly17Val)

Gene: RRAS (RAS related; minus strand). Cytogenetic location: 19q13.33.
Variant type: single nucleotide variant.
Coding change: c.50G>T on transcript NM_006270.5 (MANE Select); coding-DNA position 50, G replaced by T.
Protein change: p.Gly17Val; replaces glycine 17 with valine.
Molecular consequence: missense variant.
Genome position (GRCh38, 1-based): chr19:49,640,049, C>A on the plus strand (G>T on the coding strand, the complement: RRAS is on the minus strand). VCF-style: chr19-49640049-C-A. GRCh37 (hg19) VCF-style: chr19-50143306-C-A.
Other names: short protein forms G17V.
Identifiers: ClinVar variation 2203117 (VCV002203117.4), dbSNP rs774785666, ClinGen allele CA9579171.